The following is an entry in ClinVar:

NM_005726.6(TSFM):c.554A>G (p.Gln185Arg)

Gene: TSFM (Ts translation elongation factor, mitochondrial; plus strand). Cytogenetic location: 12q14.1.
Variant type: single nucleotide variant.
Coding change: c.554A>G on transcript NM_005726.6 (MANE Select); coding-DNA position 554, A replaced by G.
Protein change: p.Gln185Arg; replaces glutamine 185 with arginine.
Molecular consequence: missense variant. On other transcripts: intron variant (1).
Genome position (GRCh38, 1-based): chr12:57,793,056, A>G. VCF-style: chr12-57793056-A-G. GRCh37 (hg19) VCF-style: chr12-58186839-A-G.
Other names: c.617A>G, p.Gln206Arg (NM_001172696.2); c.554A>G, p.Gln185Arg (NM_001172697.2); c.484-3121A>G (NM_001172695.2); short protein forms Q185R, Q206R.
Identifiers: ClinVar variation 2171636 (VCV002171636.4), dbSNP rs763668519, ClinGen allele CA6659394.
Genomic context (GRCh38, chr12:57,793,056, plus strand): 5'-ATTCCTCTGAGCTTTCTGGACTTCCAGCTGGGCCTGACAGAGAAGGCTCACTCAAGGATC[A>G]GTTGGCTTTAGCAATTGGTGAGTATTTGTAAAGGTTCTGGAAACTGGAAATTAGGGACTG-3'
Protein context (NP_005717.3, residues 175-195): GPDREGSLKD[Gln185Arg]LALAIGKLGE

ClinVar aggregate classification (germline): Uncertain significance (1 of 4 stars; one submission).

Allele frequency attached by ClinVar (database versions not stated): ExAC 0.00001.
gnomAD v4.1: 2 of 1,613,470 alleles (0.00012%); highest among the groups gnomAD compares: South Asian, 0.0011%; no homozygotes.

Submission:

Labcorp Genetics (formerly Invitae), Labcorp
Classification: Uncertain significance. Last evaluated: 2022-04-28. Review status: criteria provided, single submitter. Criteria: Invitae Variant Classification Sherloc (09022015). Collection method: clinical testing. Allele origin: germline.
Comment: This sequence change replaces glutamine, which is neutral and polar, with arginine, which is basic and polar, at codon 206 of the TSFM protein (p.Gln206Arg). In summary, the available evidence is currently insufficient to determine the role of this variant in disease. Therefore, it has been classified as a Variant of Uncertain Significance. Algorithms developed to predict the effect of missense changes on protein structure and function (SIFT, PolyPhen-2, Align-GVGD) all suggest that this variant is likely to be tolerated. This variant has not been reported in the literature in individuals affected with TSFM-related conditions. This variant is present in population databases (rs763668519, gnomAD 0.003%).